The following is an entry in ClinVar:

ClinVar aggregate classification (germline): Uncertain significance (1 of 4 stars; one submission).

Submission:

Labcorp Genetics (formerly Invitae), Labcorp
Classification: Uncertain significance. Last evaluated: 2022-04-30. Review status: criteria provided, single submitter. Criteria: Invitae Variant Classification Sherloc (09022015). Collection method: clinical testing. Allele origin: germline.
Comment: In summary, the available evidence is currently insufficient to determine the role of this variant in disease. Therefore, it has been classified as a Variant of Uncertain Significance. Algorithms developed to predict the effect of missense changes on protein structure and function are either unavailable or do not agree on the potential impact of this missense change (SIFT: "Tolerated"; PolyPhen-2: "Not Available"; Align-GVGD: "Class C0"). This variant has not been reported in the literature in individuals affected with DNA2-related conditions. This variant is not present in population databases (gnomAD no frequency). This sequence change replaces phenylalanine, which is neutral and non-polar, with valine, which is neutral and non-polar, at codon 26 of the DNA2 protein (p.Phe26Val).

NM_001080449.3(DNA2):c.76T>G (p.Phe26Val)

Gene: DNA2 (DNA replication helicase/nuclease 2; minus strand). Cytogenetic location: 10q21.3.
Variant type: single nucleotide variant.
Coding change: c.76T>G on transcript NM_001080449.3 (MANE Select); coding-DNA position 76, T replaced by G.
Protein change: p.Phe26Val; replaces phenylalanine 26 with valine.
Molecular consequence: missense variant. On other transcripts: non-coding transcript variant (1).
Genome position (GRCh38, 1-based): chr10:68,470,162, A>C on the plus strand (T>G on the coding strand, the complement: DNA2 is on the minus strand). VCF-style: chr10-68470162-A-C. GRCh37 (hg19) VCF-style: chr10-70229919-A-C.
Other names: short protein forms F26V.
Identifiers: ClinVar variation 2132361 (VCV002132361.4), dbSNP rs2494019598, ClinGen allele CA376832626.